The following is an entry in ClinVar:

NM_022893.4(BCL11A):c.1804G>A (p.Val602Ile)

Gene: BCL11A (BCL11 transcription factor A; minus strand). Cytogenetic location: 2p16.1.
Variant type: single nucleotide variant.
Coding change: c.1804G>A on transcript NM_022893.4 (MANE Select); coding-DNA position 1804, G replaced by A.
Protein change: p.Val602Ile; replaces valine 602 with isoleucine.
Molecular consequence: missense variant. On other transcripts: intron variant (6).
Genome position (GRCh38, 1-based): chr2:60,461,108, C>T on the plus strand (G>A on the coding strand, the complement: BCL11A is on the minus strand). VCF-style: chr2-60461108-C-T. GRCh37 (hg19) VCF-style: chr2-60688243-C-T.
Other names: c.1702G>A, p.Val568Ile (NM_001363864.1, NM_001365609.1, NM_001405719.1 and 2 more transcripts); c.1804G>A, p.Val602Ile (NM_001405708.1, NM_018014.4, NM_001405709.1 and 1 more transcripts); c.1471G>A, p.Val491Ile (NM_001405720.1, NM_001405721.1); c.1648G>A, p.Val550Ile (NM_001405722.1, NM_001405723.1, NM_001405713.1 and 3 more transcripts); c.1546G>A, p.Val516Ile (NM_001405724.1, NM_001405717.1, NM_001405718.1); c.1348G>A, p.Val450Ile (NM_001405725.1, NM_001405726.1, NM_001405727.1 and 1 more transcripts); c.1111G>A, p.Val371Ile (NM_001405729.1); c.1267G>A, p.Val423Ile (NM_001405730.1); and 5 more; short protein forms V271I, V568I, V602I, V423I, V450I, V550I, V371I, V491I.
Identifiers: ClinVar variation 4201091 (VCV004201091.2).
Genomic context (GRCh38, chr2:60,461,108, plus strand): 5'-GCAGCTTTTTGGACAGGCCCCCCGAGGCCGACTCGCCCGGGGAGCAGCCGCGGCCATTAA[C>T]AGTGCCATCGTCTATGCGGTCCGACTCGCCGGCCACCGAGTCTTCGTCGCAAGTGTCCCT-3'
Protein context (NP_075044.2, residues 592-612): GESDRIDDGT[Val602Ile]NGRGCSPGES

ClinVar aggregate classification (germline): Uncertain significance. Review status: criteria provided, multiple submitters, no conflicts (2 of 4 stars). 2 submissions from 2 submitters: Uncertain significance (2). Last evaluated 2025-09-15.

Conditions:
Inborn genetic diseases. Identifiers: MedGen C0950123, MeSH D030342.

Submissions (2):

Women's Health and Genetics/Laboratory Corporation of America, LabCorp
Classification: Uncertain significance. Last evaluated: 2025-09-15. Review status: criteria provided, single submitter. Criteria: LabCorp Variant Classification Summary - May 2015. Collection method: clinical testing. Allele origin: germline.
Comment: Variant summary: BCL11A c.1804G>A (p.Val602Ile) results in a conservative amino acid change in the encoded protein sequence. Algorithms developed to predict the effect of missense changes on protein structure and function are either unavailable or do not agree on the potential impact of this missense change. The variant allele was found at a frequency of 4.2e-06 in 236558 control chromosomes. The available data on variant occurrences in the general population are insufficient to allow any conclusion about variant significance. To our knowledge, no occurrence of c.1804G>A in individuals affected with BCL11A-related conditions and no experimental evidence demonstrating its impact on protein function have been reported. No submitters have cited clinical-significance assessments for this variant to ClinVar. Based on the evidence outlined above, the variant was classified as uncertain significance.

Ambry Genetics
Classification: Uncertain significance for Inborn genetic diseases. Last evaluated: 2025-06-24. Review status: criteria provided, single submitter. Criteria: Ambry Variant Classification Scheme 2023. Collection method: clinical testing. Allele origin: germline.